The following is an entry in ClinVar:

ClinVar aggregate classification (germline): Uncertain significance (1 of 4 stars; one submission).

Conditions:
Congenital insensitivity to pain-hypohidrosis syndrome. Also called: HSAN VIII; Neuropathy, hereditary sensory and autonomic, type VIII. Identifiers: Orphanet 478664, MedGen C4225308, MONDO:0014662, OMIM 616488.

Submission:

Labcorp Genetics (formerly Invitae), Labcorp
Classification: Uncertain significance for Congenital insensitivity to pain-hypohidrosis syndrome. Last evaluated: 2021-04-30. Review status: criteria provided, single submitter. Criteria: Invitae Variant Classification Sherloc (09022015). Collection method: clinical testing. Allele origin: germline.
Comment: In summary, the available evidence is currently insufficient to determine the role of this variant in disease. Therefore, it has been classified as a Variant of Uncertain Significance. Algorithms developed to predict the effect of missense changes on protein structure and function are either unavailable or do not agree on the potential impact of this missense change (SIFT: "Deleterious"; PolyPhen-2: "Benign"; Align-GVGD: "Class C0"). This variant has not been reported in the literature in individuals with PRDM12-related conditions. This variant is not present in population databases (ExAC no frequency). This sequence change replaces glycine with glutamic acid at codon 21 of the PRDM12 protein (p.Gly21Glu). The glycine residue is moderately conserved and there is a moderate physicochemical difference between glycine and glutamic acid.

NM_021619.3(PRDM12):c.62G>A (p.Gly21Glu)

Gene: PRDM12 (PR/SET domain 12; plus strand). Cytogenetic location: 9q34.12.
Variant type: single nucleotide variant.
Coding change: c.62G>A on transcript NM_021619.3 (MANE Select); coding-DNA position 62, G replaced by A.
Protein change: p.Gly21Glu; replaces glycine 21 with glutamic acid.
Molecular consequence: missense variant.
Genome position (GRCh38, 1-based): chr9:130,664,715, G>A. VCF-style: chr9-130664715-G-A. GRCh37 (hg19) VCF-style: chr9-133540102-G-A.
Other names: short protein forms G21E.
Identifiers: ClinVar variation 1350400 (VCV001350400.8), dbSNP rs2132586504, ClinGen allele CA375245491.